The following is an entry in ClinVar:

NM_001458.5(FLNC):c.6387C>T (p.Thr2129=)

Genes: FLNC (filamin C; plus strand), FLNC-AS1 (FLNC antisense RNA 1; minus strand). Cytogenetic location: 7q32.1.
Variant type: single nucleotide variant.
Coding change: c.6387C>T on transcript NM_001458.5 (MANE Select); coding-DNA position 6387, C replaced by T.
Protein change: p.Thr2129=; no amino-acid change (threonine 2129 retained).
Molecular consequence: synonymous variant.
Genome position (GRCh38, 1-based): chr7:128,853,740, C>T. VCF-style: chr7-128853740-C-T. GRCh37 (hg19) VCF-style: chr7-128493794-C-T.
Other names: c.6288C>T, p.Thr2096= (NM_001127487.2).
Identifiers: ClinVar variation 472132 (VCV000472132.44), dbSNP rs200182180, ClinGen allele CA4475968.

ClinVar aggregate classification (germline): Benign/Likely benign. Review status: criteria provided, multiple submitters, no conflicts (2 of 4 stars). 11 submissions from 11 submitters: Benign (1); Likely benign (8). 2 of the submissions do not count toward it. Last evaluated 2026-03-27.

Conditions:
Cardiovascular phenotype. Identifiers: MedGen CN230736.
Cardiomyopathy (CMYO). Also called: Cardiomyopathies. Identifiers: Orphanet 167848, MedGen C0878544, MONDO:0004994, HP:0001638. Inheritance: Various modes of inheritance.
Hypertrophic cardiomyopathy 26. Also called: Cardiomyopathy, familial hypertrophic, 26. Identifiers: Orphanet 75249, MedGen C4310749, MONDO:0014883, OMIM 617047.
Myofibrillar myopathy 5. Also called: Filaminopathy (type); FILAMINOPATHY, AUTOSOMAL DOMINANT. Identifiers: Orphanet 171445, MedGen C1836050, MONDO:0012289, OMIM 609524.
Distal myopathy with posterior leg and anterior hand involvement. Also called: WILLIAMS DISTAL MYOPATHY. Identifiers: Orphanet 63273, MedGen C3279722, MONDO:0013550, OMIM 614065.
FLNC-related disorder. Also called: FLNC-related condition; FLNC-related disorders.

Allele frequency attached by ClinVar (database versions not stated): TOPMed 0.00009; gnomAD 0.00011 and 0.00017; ExAC 0.00017; gnomAD exomes 0.00018 and 0.00020; 1000 Genomes Project 30x 0.00047; 1000 Genomes Project 0.00060.
gnomAD v4.1: 299 of 1,613,876 alleles (0.019%); highest among the groups gnomAD compares: South Asian, 0.11%; 1 homozygote.

Submissions (11):

Molecular Diagnostic Laboratory for Inherited Cardiovascular Disease, Montreal Heart Institute
Classification: Likely benign. Last evaluated: 2026-03-27. Review status: criteria provided, single submitter. Criteria: ACMG Guidelines, 2015. Collection method: clinical testing. Allele origin: germline. Affected: no.
Comment: BS1;BP7

Labcorp Genetics (formerly Invitae), Labcorp
Classification: Likely benign for Distal myopathy with posterior leg and anterior hand involvement; Myofibrillar myopathy 5; Hypertrophic cardiomyopathy 26. Last evaluated: 2026-01-07. Review status: criteria provided, single submitter. Criteria: Invitae Variant Classification Sherloc (09022015). Collection method: clinical testing. Allele origin: germline.

PreventionGenetics, part of Exact Sciences
Classification: Likely benign for FLNC-related condition. Last evaluated: 2025-12-22. Review status: criteria provided, single submitter. Criteria: ACMG Guidelines, 2015. Collection method: clinical testing. Allele origin: germline.
Comment: This variant is classified as likely benign based on ACMG/AMP sequence variant interpretation guidelines (Richards et al. 2015 PMID: 25741868, with internal and published modifications).

Women's Health and Genetics/Laboratory Corporation of America, LabCorp
Classification: Benign. Last evaluated: 2025-06-30. Review status: criteria provided, single submitter. Criteria: LabCorp Variant Classification Summary - May 2015. Collection method: clinical testing. Allele origin: germline.

Laboratory of Genetics, Children's Clinical University Hospital Latvia
Classification: Likely benign. Last evaluated: 2025-02-16. Review status: criteria provided, single submitter. Criteria: ACMG Guidelines, 2015. Collection method: clinical testing. Allele origin: germline. Affected: yes.

CeGaT Center for Human Genetics Tuebingen
Classification: Likely benign. Last evaluated: 2024-11-01. Review status: criteria provided, single submitter. Criteria: CeGaT Center For Human Genetics Tuebingen Variant Classification Criteria Version 2. Collection method: clinical testing. Allele origin: germline. Affected: yes. Observed: 2 variant alleles.
Comment: FLNC: BP4, BP7

Blueprint Genetics
Classification: Likely benign. Last evaluated: 2024-10-23. Review status: criteria provided, single submitter. Criteria: ACMG Guidelines, 2015. Collection method: clinical testing. Allele origin: germline.

CHEO Genetics Diagnostic Laboratory, Children's Hospital of Eastern Ontario
Classification: Likely benign for Cardiomyopathy. Last evaluated: 2021-10-26. Review status: criteria provided, single submitter. Criteria: ACMG Guidelines, 2015. Collection method: clinical testing. Allele origin: germline.

Ambry Genetics
Classification: Likely benign for Cardiovascular phenotype. Last evaluated: 2019-08-22. Review status: criteria provided, single submitter. Criteria: Ambry Variant Classification Scheme 2023. Collection method: clinical testing. Allele origin: germline.

Clinical Genetics DNA and cytogenetics Diagnostics Lab, Erasmus MC, Erasmus Medical Center
Classification: Likely benign. Review status: no assertion criteria provided. Collection method: clinical testing. Allele origin: germline. Affected: yes. Study: VKGL Data-share Consensus. Not counted in ClinVar's aggregate classification.

Genome Diagnostics Laboratory, University Medical Center Utrecht
Classification: Likely benign. Review status: no assertion criteria provided. Collection method: clinical testing. Allele origin: germline. Affected: yes. Study: VKGL Data-share Consensus. Not counted in ClinVar's aggregate classification.